The following is an entry in ClinVar:

NM_000053.4(ATP7B):c.1708-1G>A

Gene: ATP7B (ATPase copper transporting beta; minus strand). Cytogenetic location: 13q14.3.
Variant type: single nucleotide variant.
Coding change: c.1708-1G>A on transcript NM_000053.4 (MANE Select); the canonical splice acceptor site of the intron before coding-DNA position 1708, G replaced by A.
Molecular consequence: splice acceptor variant. On other transcripts: intron variant (3).
Genome position (GRCh38, 1-based): chr13:51,965,034, C>T on the plus strand (G>A on the coding strand, the complement: ATP7B is on the minus strand). VCF-style: chr13-51965034-C-T. GRCh37 (hg19) VCF-style: chr13-52539170-C-T.
Other names: c.1708-1G>A (NM_001406541.1, NM_001406531.1, NM_001406527.1 and 24 more transcripts); c.1612-1G>A (NM_001406543.1, NM_001406518.1, NM_001406544.1 and 3 more transcripts); c.1375-1G>A (NM_001243182.2); c.1285+8901G>A (NM_001406548.1); c.1675-1G>A (NM_001406524.1, NM_001406514.1); c.1707+3410G>A (NM_001406547.1, NM_001406545.1); c.1279-1G>A (NM_001406539.1).
Identifiers: ClinVar variation 370195 (VCV000370195.13), dbSNP rs137853280, ClinGen allele CA16041675.
Genomic context (GRCh38, chr13:51,965,034, plus strand): 5'-TGTCCTCGTGAGTTTGGACTCTATGTTGTGGACACAGGACGCGCAGGTCATCCCTGTGAT[C>T]TGCAACACAGGATGGCAAGAATCCCACAGACCCAGGATCAAGGAAAGCCTGTGAAAGCCA-3'

ClinVar aggregate classification (germline): Pathogenic. Review status: criteria provided, multiple submitters, no conflicts (2 of 4 stars). 5 submissions from 5 submitters: Pathogenic (4). 1 of the submissions does not count toward it. Last evaluated 2025-05-01.

Conditions:
Wilson disease (WND). Also called: Wilson's disease. Identifiers: Orphanet 905, MedGen C0019202, MONDO:0010200, OMIM 277900. Disease mechanism: loss of function.

Submissions (5):

Labcorp Genetics (formerly Invitae), Labcorp
Classification: Pathogenic for Wilson disease. Last evaluated: 2025-05-01. Review status: criteria provided, single submitter. Criteria: Invitae Variant Classification Sherloc (09022015). Collection method: clinical testing. Allele origin: germline.
Comment: This sequence change affects an acceptor splice site in intron 4 of the ATP7B gene. It is expected to disrupt RNA splicing. Variants that disrupt the donor or acceptor splice site typically lead to a loss of protein function (PMID: 16199547), and loss-of-function variants in ATP7B are known to be pathogenic (PMID: 10441329, 16283883). This variant is present in population databases (no rsID available, gnomAD 0.003%). Disruption of this splice site has been observed in individual(s) with Wilson disease (PMID: 15523622). ClinVar contains an entry for this variant (Variation ID: 370195). Algorithms developed to predict the effect of sequence changes on RNA splicing suggest that this variant may disrupt the consensus splice site. For these reasons, this variant has been classified as Pathogenic.

Fulgent Genetics
Classification: Pathogenic for Wilson disease. Last evaluated: 2024-06-16. Review status: criteria provided, single submitter. Criteria: ACMG Guidelines, 2015. Collection method: clinical testing. Allele origin: germline.

Genome-Nilou Lab
Classification: Pathogenic for Wilson disease. Last evaluated: 2021-08-10. Review status: criteria provided, single submitter. Criteria: ACMG Guidelines, 2015. Collection method: clinical testing. Allele origin: germline. Affected: no.

Clinical Genetics Service, Universitary Hospital 12 de Octubre
Classification: Pathogenic for Wilson disease. Review status: criteria provided, single submitter. Criteria: ACMG Guidelines, 2015. Collection method: clinical testing. Allele origin: germline. Affected: yes.

Counsyl
Classification: Pathogenic for Wilson disease. Last evaluated: 2015-12-16. Review status: no assertion criteria provided. Collection method: clinical testing. Allele origin: unknown. Not counted in ClinVar's aggregate classification.

Literature cited by the submitters: PubMed 16199547 (cited by Labcorp Genetics (formerly Invitae), Labcorp); PubMed 10441329 (cited by Labcorp Genetics (formerly Invitae), Labcorp); PubMed 16283883 (cited by Labcorp Genetics (formerly Invitae), Labcorp); PubMed 15523622 (cited by Labcorp Genetics (formerly Invitae), Labcorp and Counsyl); PubMed 20517649 (cited by Counsyl); PubMed 22735241 (cited by Counsyl); PubMed 25525159 (cited by Counsyl); PubMed 15952988 (cited by Counsyl).